The following is an entry in ClinVar:

NM_001374504.1(TMPRSS6):c.1762C>T (p.Arg588Trp)

Gene: TMPRSS6 (transmembrane serine protease 6; minus strand). Cytogenetic location: 22q12.3.
Variant type: single nucleotide variant.
Coding change: c.1762C>T on transcript NM_001374504.1 (MANE Select); coding-DNA position 1762, C replaced by T.
Protein change: p.Arg588Trp; replaces arginine 588 with tryptophan.
Molecular consequence: missense variant.
Genome position (GRCh38, 1-based): chr22:37,070,563, G>A on the plus strand (C>T on the coding strand, the complement: TMPRSS6 is on the minus strand). VCF-style: chr22-37070563-G-A. GRCh37 (hg19) VCF-style: chr22-37466603-G-A.
Other names: c.1762C>T, p.Arg588Trp (NM_001289000.2, NM_001289001.2, NM_153609.4); c.1789C>T (NM_153609.3); short protein forms R588W.
Identifiers: ClinVar variation 4998774 (VCV004998774.1), dbSNP rs773272073.

ClinVar aggregate classification (germline): Likely pathogenic (1 of 4 stars; one submission).

Conditions:
TMPRSS6-related disorder. Also called: TMPRSS6-related condition.

Allele frequency attached by ClinVar (database versions not stated): gnomAD 0.00002; gnomAD exomes 0.00002; TOPMed 0.00002; ExAC 0.00003.

Submission:

PreventionGenetics, part of Exact Sciences
Classification: Likely pathogenic for TMPRSS6-related condition. Last evaluated: 2025-10-20. Review status: criteria provided, single submitter. Criteria: ACMG Guidelines, 2015. Collection method: clinical testing. Allele origin: germline.
Comment: The TMPRSS6 c.1789C>T variant is predicted to result in the amino acid substitution p.Arg597Trp. This variant was reported in the compound heterozygous state in an individual with iron-refractory iron-deficiency anemia (De Falco et al. 2014. PubMed ID: 25156943). Functional studies suggest this variant reduces the inhibitory actions of MT-2 protein on hepcidin (De Falco et al. 2014. PubMed ID: 25156943). This variant is reported in 0.0062% of alleles in individuals of African descent in gnomAD. This variant is interpreted as likely pathogenic.